The following is an entry in ClinVar:

ClinVar aggregate classification (germline): Uncertain significance. Review status: criteria provided, multiple submitters, no conflicts (2 of 4 stars). 2 submissions from 2 submitters: Uncertain significance (2). Last evaluated 2023-04-03.

Conditions:
Familial thoracic aortic aneurysm and aortic dissection (TAAD). Also called: Thoracic aortic aneurysms and dissections. Identifiers: Orphanet 91387, MedGen C4707243, MONDO:0019625.

Submissions (2):

All of Us Research Program, National Institutes of Health
Classification: Uncertain significance for Familial thoracic aortic aneurysm and aortic dissection. Last evaluated: 2023-04-03. Review status: criteria provided, single submitter. Criteria: ACMG Guidelines, 2015. Collection method: clinical testing. Allele origin: germline. Inheritance: Autosomal dominant inheritance. Observed: 1 variant allele, 1 heterozygote.
Comment: This missense variant replaces valine with methionine at codon 591 of the MYH11 protein. Computational prediction suggests that this variant may have deleterious impact on protein structure and function (internally defined REVEL score threshold >= 0.7, PMID: 27666373). To our knowledge, functional studies have not been reported for this variant. This variant has not been reported in individuals affected with MYH11-related disorders in the literature. This variant has not been identified in the general population by the Genome Aggregation Database (gnomAD). The available evidence is insufficient to determine the role of this variant in disease conclusively. Therefore, this variant is classified as a Variant of Uncertain Significance.

This study involves interpretation of variants in research participants for the purpose of population health screening. Participant phenotype was not available at the time of variant classification. Additional details can be found in publication PMID: 35346344, PMCID: PMC8962531

Ambry Genetics
Classification: Uncertain significance for Familial thoracic aortic aneurysm and aortic dissection. Last evaluated: 2022-11-27. Review status: criteria provided, single submitter. Criteria: Ambry Variant Classification Scheme 2023. Collection method: clinical testing. Allele origin: germline.
Comment: The p.V584M variant (also known as c.1750G>A) is located in coding exon 14 of the MYH11 gene. The valine at codon 584 is replaced by methionine, an amino acid with highly similar properties. This change occurs in the first base pair of coding exon 14. This amino acid position is conserved. In addition, this alteration is predicted to be deleterious by in silico analysis. Since supporting evidence is limited at this time, the clinical significance of this alteration remains unclear.

NM_002474.3(MYH11):c.1750G>A (p.Val584Met)

Gene: MYH11 (myosin heavy chain 11; minus strand). Cytogenetic location: 16p13.11.
Variant type: single nucleotide variant.
Coding change: c.1750G>A on transcript NM_002474.3 (MANE Select); coding-DNA position 1750, G replaced by A.
Protein change: p.Val584Met; replaces valine 584 with methionine.
Molecular consequence: missense variant.
Genome position (GRCh38, 1-based): chr16:15,753,508, C>T on the plus strand (G>A on the coding strand, the complement: MYH11 is on the minus strand). VCF-style: chr16-15753508-C-T. GRCh37 (hg19) VCF-style: chr16-15847365-C-T.
Other names: c.1771G>A, p.Val591Met (NM_001040113.2, NM_001040114.2); c.1750G>A, p.Val584Met (NM_022844.3); short protein forms V584M, V591M.
Identifiers: ClinVar variation 2448071 (VCV002448071.3), dbSNP rs2506329240, ClinGen allele CA394869741.